The following is an entry in ClinVar:

ClinVar aggregate classification (germline): Uncertain significance (1 of 4 stars; one submission).

Conditions:
Brugada syndrome 8 (BRGDA8). Identifiers: Orphanet 130, MedGen C2751083, MONDO:0013148, OMIM 613123.

Allele frequency attached by ClinVar (database versions not stated): gnomAD exomes below 0.00001.
gnomAD v4.1: 1 of 1,444,864 alleles (0.000069%); highest among the groups gnomAD compares: Non-Finnish European, 0.000091%; no homozygotes.

Submission:

Labcorp Genetics (formerly Invitae), Labcorp
Classification: Uncertain significance for Brugada syndrome 8. Last evaluated: 2023-06-17. Review status: criteria provided, single submitter. Criteria: Invitae Variant Classification Sherloc (09022015). Collection method: clinical testing. Allele origin: germline.
Comment: In summary, the available evidence is currently insufficient to determine the role of this variant in disease. Therefore, it has been classified as a Variant of Uncertain Significance. Advanced modeling of protein sequence and biophysical properties (such as structural, functional, and spatial information, amino acid conservation, physicochemical variation, residue mobility, and thermodynamic stability) performed at Invitae indicates that this missense variant is not expected to disrupt HCN4 protein function. This variant has not been reported in the literature in individuals affected with HCN4-related conditions. This variant is not present in population databases (gnomAD no frequency). This sequence change replaces phenylalanine, which is neutral and non-polar, with leucine, which is neutral and non-polar, at codon 1038 of the HCN4 protein (p.Phe1038Leu).

NM_005477.3(HCN4):c.3114C>A (p.Phe1038Leu)

Gene: HCN4 (hyperpolarization activated cyclic nucleotide gated potassium channel 4; minus strand). Cytogenetic location: 15q24.1.
Variant type: single nucleotide variant.
Coding change: c.3114C>A on transcript NM_005477.3 (MANE Select); coding-DNA position 3114, C replaced by A.
Protein change: p.Phe1038Leu; replaces phenylalanine 1038 with leucine.
Molecular consequence: missense variant.
Genome position (GRCh38, 1-based): chr15:73,322,979, G>T on the plus strand (C>A on the coding strand, the complement: HCN4 is on the minus strand). VCF-style: chr15-73322979-G-T. GRCh37 (hg19) VCF-style: chr15-73615320-G-T.
Other names: short protein forms F1038L.
Identifiers: ClinVar variation 2980734 (VCV002980734.3), dbSNP rs1250625107, ClinGen allele CA393086188.